The following is an entry in ClinVar:

ClinVar aggregate classification (germline): Conflicting classifications of pathogenicity. Review status: criteria provided, conflicting classifications (1 of 4 stars). 4 submissions from 3 submitters: Uncertain significance (3); Likely benign (1). Last evaluated 2025-03-27.

Conditions:
Familial hypobetalipoproteinemia 1. Also called: APOB-Related Familial Hypobetalipoproteinemia; Hypobetalipoproteinemia, normotriglyceridemic; Acanthocytosis with hypobetalipoproteinemia. Identifiers: MedGen C4551990, MONDO:0014252, OMIM 615558.
Hypercholesterolemia, autosomal dominant, type B (FHCL2). Also called: Hyperlipoproteinemia Type IIb; APOLIPOPROTEIN B-100, FAMILIAL DEFECTIVE; APOLIPOPROTEIN B-100, FAMILIAL LIGAND-DEFECTIVE; HYPERCHOLESTEROLEMIA, FAMILIAL, DUE TO LIGAND-DEFECTIVE APOLIPOPROTEIN B; APOB-Related Familial Hypercholesterolemia, Autosomal Dominant; Familial Hypercholesterolemia Type B. Identifiers: MedGen C1704417, MONDO:0007751, OMIM 144010.

Allele frequency attached by ClinVar (database versions not stated): TOPMed below 0.00001; gnomAD 0.00001; gnomAD exomes 0.00001 and 0.00002.
gnomAD v4.1: 8 of 1,613,868 alleles (0.0005%); highest among the groups gnomAD compares: Non-Finnish European, 0.00068%; no homozygotes.

Submissions (4):

ARUP Laboratories, Molecular Genetics and Genomics, ARUP Laboratories
Classification: Uncertain significance. Last evaluated: 2025-03-27. Review status: criteria provided, single submitter. Criteria: ARUP Molecular Germline Variant Investigation Process 2024. Collection method: clinical testing. Allele origin: germline.
Comment: The APOB c.9842C>A; p.Pro3281His variant (rs1393956366), to our knowledge, is not reported in the medical literature but is reported in ClinVar (Variation ID: 897107). This variant is found in the non-Finnish European population with an allele frequency of 0.004% (4/113,562 alleles) in the Genome Aggregation Database (v2.1.1). Computational analyses are uncertain whether this variant is neutral or deleterious (REVEL: 0.338). Due to limited information, the clinical significance of this variant is uncertain at this time.

Labcorp Genetics (formerly Invitae), Labcorp
Classification: Likely benign for Familial hypobetalipoproteinemia 1; Hypercholesterolemia, autosomal dominant, type B. Last evaluated: 2022-12-02. Review status: criteria provided, single submitter. Criteria: Invitae Variant Classification Sherloc (09022015). Collection method: clinical testing. Allele origin: germline.

Illumina Laboratory Services, Illumina
Classification: Uncertain significance for Familial hypobetalipoproteinemia 1. Last evaluated: 2018-01-12. Review status: criteria provided, single submitter. Criteria: ICSL Variant Classification Criteria 13 December 2019. Collection method: clinical testing. Allele origin: germline.

Illumina Laboratory Services, Illumina
Classification: Uncertain significance for Hypercholesterolemia, autosomal dominant, type B. Last evaluated: 2018-01-12. Review status: criteria provided, single submitter. Criteria: ICSL Variant Classification Criteria 13 December 2019. Collection method: clinical testing. Allele origin: germline.

NM_000384.3(APOB):c.9842C>A (p.Pro3281His)

Gene: APOB (apolipoprotein B; minus strand). Cytogenetic location: 2p24.1.
Variant type: single nucleotide variant.
Coding change: c.9842C>A on transcript NM_000384.3 (MANE Select); coding-DNA position 9842, C replaced by A.
Protein change: p.Pro3281His; replaces proline 3281 with histidine.
Molecular consequence: missense variant.
Genome position (GRCh38, 1-based): chr2:21,007,026, G>T on the plus strand (C>A on the coding strand, the complement: APOB is on the minus strand). VCF-style: chr2-21007026-G-T. GRCh37 (hg19) VCF-style: chr2-21229898-G-T.
Other names: short protein forms P3281H.
Identifiers: ClinVar variation 897107 (VCV000897107.10), dbSNP rs1393956366, ClinGen allele CA345988541.